The following is an entry in ClinVar:

NM_000135.4(FANCA):c.1615del (p.Asp539fs)

Gene: FANCA (FA complementation group A; minus strand). Cytogenetic location: 16q24.3.
Variant type: Deletion.
Coding change: c.1615del on transcript NM_000135.4 (MANE Select); coding-DNA position 1615, one base deleted (G; older notation c.1615delG).
Protein change: p.Asp539fs; shifts the reading frame from aspartic acid 539.
Molecular consequence: frameshift variant.
Genome position (GRCh38, 1-based): chr16:89,782,870, C deleted on the plus strand (G on the coding strand, the reverse complement: FANCA is on the minus strand); the first of 4 consecutive C bases (chr16:89,782,870-89,782,873); deleting any one gives the same sequence. VCF-style (leftmost placement, unchanged base first): chr16-89782869-TC-T. GRCh37 (hg19) VCF-style: chr16-89849277-TC-T.
Other names: 1-NT DEL, 1615G; c.1615del (LRG_495t1); c.1615delG (NM_000135.3, NM_000135.2); c.1615del, p.Asp539fs (NM_001286167.3); short protein forms D539fs.
Identifiers: ClinVar variation 3443 (VCV000003443.24), dbSNP rs778507965, ClinGen allele CA252777.

ClinVar aggregate classification (germline): Pathogenic. Review status: criteria provided, multiple submitters, no conflicts (2 of 4 stars). 9 submissions from 9 submitters: Pathogenic (7). 2 of the submissions do not count toward it. Last evaluated 2025-12-24.

Conditions:
FANCA-related disorder. Also called: FANCA-related condition.
FANCA-related disorders.
Fanconi anemia (FA). Also called: Fanconi's anemia. Identifiers: Orphanet 84, MedGen C0015625, MeSH D005199, MONDO:0019391.
Fanconi anemia complementation group A (FANCA). Also called: FANCA-Related Fanconi Anemia; Fanconi anemia, group A. Identifiers: Orphanet 84, MedGen C3469521, MONDO:0009215, OMIM 227650.

Submissions (9):

Labcorp Genetics (formerly Invitae), Labcorp
Classification: Pathogenic for Fanconi anemia. Last evaluated: 2025-12-24. Review status: criteria provided, single submitter. Criteria: Invitae Variant Classification Sherloc (09022015). Collection method: clinical testing. Allele origin: germline.
Comment: This sequence change creates a premature translational stop signal (p.Asp539Thrfs*66) in the FANCA gene. It is expected to result in an absent or disrupted protein product. Loss-of-function variants in FANCA are known to be pathogenic (PMID: 19367192). This variant is present in population databases (rs778507965, gnomAD 0.008%). This premature translational stop signal has been observed in individual(s) with Fanconi anemia (PMID: 9371798, 10094191). ClinVar contains an entry for this variant (Variation ID: 3443). For these reasons, this variant has been classified as Pathogenic.

GeneDx
Classification: Pathogenic. Last evaluated: 2025-09-24. Review status: criteria provided, single submitter. Criteria: GeneDx Variant Classification Process June 2021. Collection method: clinical testing. Allele origin: germline.
Comment: Frameshift variant predicted to result in protein truncation or nonsense mediated decay in a gene for which loss of function is a known mechanism of disease; This variant is associated with the following publications: (PMID: 34153142, 9371798, 26701949, Aslan2022[Article], 10094191, 10431244)

Natera, Inc.
Classification: Pathogenic for Fanconi anemia. Last evaluated: 2025-04-09. Review status: criteria provided, single submitter. Criteria: Natera Variant Classification Schema (03/2026). Collection method: clinical testing. Allele origin: germline.
Comment: The c.1615delG variant in FANCA is a frameshift variant predicted to shift the reading frame beginning at codon 539 and leads to a stop codon 66 codons downstream. This variant is expected to result in nonsense mediated decay, truncation, or a dysfunctional protein product. This variant is rare in the general population with a frequency below the threshold expected for the associated phenotype(s). This variant has been observed in one or more individuals affected with the associated recessive disease, as either homozygous or compound heterozygous with a second variant (PMID: 9371798, 26701949, 16084127). Given the available evidence, this variant is classified as Pathogenic.

PreventionGenetics, part of Exact Sciences
Classification: Pathogenic for FANCA-related condition. Last evaluated: 2025-04-09. Review status: criteria provided, single submitter. Criteria: ACMG Guidelines, 2015. Collection method: clinical testing. Allele origin: germline.
Comment: The FANCA c.1615delG variant is predicted to result in a frameshift and premature protein termination (p.Asp539Thrfs*66). This variant was reported in an individual with Fanconi anaemia (Levran et al 1997. PubMed ID: 9371798). This variant is reported in 0.0077% of alleles in individuals of European (Non-Finnish) descent in gnomAD and is interpreted as pathogenic in ClinVar. Frameshift variants in FANCA are expected to be pathogenic. This variant is interpreted as pathogenic.

Baylor Genetics
Classification: Pathogenic for Fanconi anemia complementation group A. Last evaluated: 2023-10-30. Review status: criteria provided, single submitter. Criteria: ACMG Guidelines, 2015. Collection method: clinical testing. Allele origin: unknown.

Blueprint Genetics
Classification: Pathogenic for FANCA-related disorders. Last evaluated: 2022-11-21. Review status: criteria provided, single submitter. Criteria: ACMG Guidelines, 2015. Collection method: clinical testing. Allele origin: germline. Affected: yes. Observed: 4 variant alleles.

Revvity Omics, Revvity
Classification: Pathogenic for Fanconi anemia complementation group A. Last evaluated: 2022-04-25. Review status: criteria provided, single submitter. Criteria: ACMG Guidelines, 2015. Collection method: clinical testing. Allele origin: germline.

Leiden Open Variation Database
Classification: Pathogenic for Fanconi anemia complementation group A. Last evaluated: 2020-02-28. Review status: no assertion criteria provided. Collection method: curation. Allele origin: germline. Affected: yes. Not counted in ClinVar's aggregate classification.
Comment: Curator: Arleen D. Auerbach. Submitter to LOVD: Arleen D. Auerbach.

OMIM
Classification: Pathogenic for FANCONI ANEMIA, COMPLEMENTATION GROUP A. Last evaluated: 1999-08-01. Review status: no assertion criteria provided. Collection method: literature only. Allele origin: germline. Not counted in ClinVar's aggregate classification.

Literature cited by the submitters: PubMed 19367192 (cited by Labcorp Genetics (formerly Invitae), Labcorp); PubMed 9371798 (cited by Labcorp Genetics (formerly Invitae), Labcorp and Natera, Inc.); PubMed 10094191 (cited by Labcorp Genetics (formerly Invitae), Labcorp and Leiden Open Variation Database); PubMed 26701949 (cited by Natera, Inc.); PubMed 16084127 (cited by Natera, Inc.); Waisfisz, Q., Morgan, N. V., Savino, M., de Winter, J. P., van Berkel, C. G. M., Hoatlin, M. E., Ianzano, L., Gibson, R. A., Arwert, F., Savoia, A., Mathew, C. G., Pronk, J. C., Joenje, H. Spontaneous functional correction of homozygous Fanconi anaemia alleles reveals novel mechanistic basis for reverse mosaicism. Nature Genet. 22: 379-383, 1999. (cited by OMIM).